The following is an entry in ClinVar:

NM_000426.4(LAMA2):c.2166A>T (p.Glu722Asp)

Gene: LAMA2 (laminin subunit alpha 2; plus strand). Cytogenetic location: 6q22.33.
Variant type: single nucleotide variant.
Coding change: c.2166A>T on transcript NM_000426.4 (MANE Select); coding-DNA position 2166, A replaced by T.
Protein change: p.Glu722Asp; replaces glutamic acid 722 with aspartic acid.
Molecular consequence: missense variant.
Genome position (GRCh38, 1-based): chr6:129,260,780, A>T. VCF-style: chr6-129260780-A-T. GRCh37 (hg19) VCF-style: chr6-129581925-A-T.
Other names: c.2166A>T, p.Glu722Asp (NM_001079823.2); short protein forms E722D.
Identifiers: ClinVar variation 1378574 (VCV001378574.6), dbSNP rs2114320580, ClinGen allele CA365608614.

ClinVar aggregate classification (germline): Uncertain significance (1 of 4 stars; one submission).

Conditions:
LAMA2-related muscular dystrophy (LAMA2-RD). Also called: Laminin alpha 2-related dystrophy. Identifiers: MedGen C5679788, MONDO:0100228.

Submission:

Labcorp Genetics (formerly Invitae), Labcorp
Classification: Uncertain significance for LAMA2-related muscular dystrophy. Last evaluated: 2022-10-05. Review status: criteria provided, single submitter. Criteria: Invitae Variant Classification Sherloc (09022015). Collection method: clinical testing. Allele origin: germline.
Comment: Advanced modeling of protein sequence and biophysical properties (such as structural, functional, and spatial information, amino acid conservation, physicochemical variation, residue mobility, and thermodynamic stability) performed at Invitae indicates that this missense variant is not expected to disrupt LAMA2 protein function. In summary, the available evidence is currently insufficient to determine the role of this variant in disease. Therefore, it has been classified as a Variant of Uncertain Significance. ClinVar contains an entry for this variant (Variation ID: 1378574). This variant has not been reported in the literature in individuals affected with LAMA2-related conditions. This variant is not present in population databases (gnomAD no frequency). This sequence change replaces glutamic acid, which is acidic and polar, with aspartic acid, which is acidic and polar, at codon 722 of the LAMA2 protein (p.Glu722Asp).